The following is an entry in ClinVar:

NM_032119.4(ADGRV1):c.11580+6T>C

Gene: ADGRV1 (adhesion G protein-coupled receptor V1; plus strand). Cytogenetic location: 5q14.3.
Variant type: single nucleotide variant.
Coding change: c.11580+6T>C on transcript NM_032119.4 (MANE Select); 6 bases into the intron after coding-DNA position 11580, T replaced by C.
Molecular consequence: intron variant.
Genome position (GRCh38, 1-based): chr5:90,755,191, T>C. VCF-style: chr5-90755191-T-C. GRCh37 (hg19) VCF-style: chr5-90051008-T-C.
Identifiers: ClinVar variation 1503817 (VCV001503817.6), dbSNP rs2149974427, ClinGen allele CA2573140010.

ClinVar aggregate classification (germline): Uncertain significance (1 of 4 stars; one submission).

Submission:

Labcorp Genetics (formerly Invitae), Labcorp
Classification: Uncertain significance. Last evaluated: 2020-11-26. Review status: criteria provided, single submitter. Criteria: Invitae Variant Classification Sherloc (09022015). Collection method: clinical testing. Allele origin: germline.
Comment: In summary, the available evidence is currently insufficient to determine the role of this variant in disease. Therefore, it has been classified as a Variant of Uncertain Significance. Nucleotide substitutions within the consensus splice site are a relatively common cause of aberrant splicing (PMID: 17576681, 9536098). Algorithms developed to predict the effect of sequence changes on RNA splicing suggest that this variant may disrupt the consensus splice site, but this prediction has not been confirmed by published transcriptional studies. This variant has not been reported in the literature in individuals with ADGRV1-related conditions. This variant is not present in population databases (ExAC no frequency). This sequence change falls in intron 55 of the ADGRV1 gene. It does not directly change the encoded amino acid sequence of the ADGRV1 protein. It affects a nucleotide within the consensus splice site of the intron.

Literature cited by the submitters: PubMed 17576681; PubMed 9536098.